The following is an entry in ClinVar:

NM_006946.4(SPTBN2):c.5003G>A (p.Arg1668His)

Gene: SPTBN2 (spectrin beta, non-erythrocytic 2; minus strand). Cytogenetic location: 11q13.2.
Variant type: single nucleotide variant.
Coding change: c.5003G>A on transcript NM_006946.4 (MANE Select); coding-DNA position 5003, G replaced by A.
Protein change: p.Arg1668His; replaces arginine 1668 with histidine.
Molecular consequence: missense variant.
Genome position (GRCh38, 1-based): chr11:66,692,723, C>T on the plus strand (G>A on the coding strand, the complement: SPTBN2 is on the minus strand). VCF-style: chr11-66692723-C-T. GRCh37 (hg19) VCF-style: chr11-66460194-C-T.
Other names: short protein forms R1668H.
Identifiers: ClinVar variation 994468 (VCV000994468.3), dbSNP rs746585059, ClinGen allele CA6128392.

ClinVar aggregate classification (germline): Uncertain significance. Review status: criteria provided, multiple submitters, no conflicts (2 of 4 stars). 2 submissions from 2 submitters: Uncertain significance (2). Last evaluated 2023-07-07.

Allele frequency attached by ClinVar (database versions not stated): ExAC 0.00001; gnomAD 0.00001; TOPMed 0.00001; gnomAD exomes 0.00002.

Submissions (2):

Athena Diagnostics
Classification: Uncertain significance. Last evaluated: 2023-07-07. Review status: criteria provided, single submitter. Criteria: Athena Diagnostics Criteria. Collection method: clinical testing. Allele origin: unknown.
Comment: Available data are insufficient to determine the clinical significance of the variant at this time. The frequency of this variant in the general population is uninformative in assessment of its pathogenicity. Computational tools disagree on the variant's effect on normal protein function.

Blueprint Genetics
Classification: Uncertain significance. Last evaluated: 2021-02-03. Review status: criteria provided, single submitter. Criteria: ACMG Guidelines, 2015. Collection method: clinical testing. Allele origin: germline.